The following is an entry in ClinVar:

NM_001368882.1(COL13A1):c.685-1206T>C

Gene: COL13A1 (collagen type XIII alpha 1 chain; plus strand). Cytogenetic location: 10q22.1.
Variant type: single nucleotide variant.
Coding change: c.685-1206T>C on transcript NM_001368882.1 (MANE Select); 1206 bases into the intron before coding-DNA position 685, T replaced by C.
Molecular consequence: intron variant. On other transcripts: missense variant (4).
Genome position (GRCh38, 1-based): chr10:69,897,491, T>C. VCF-style: chr10-69897491-T-C. GRCh37 (hg19) VCF-style: chr10-71657247-T-C.
Other names: c.674T>C, p.Met225Thr (NM_001130103.2, NM_080801.4, NM_080802.4); c.587T>C, p.Met196Thr (NM_080805.4); c.685-1206T>C (NM_001320951.2, NM_001368884.1); c.658-1206T>C (NM_080800.4); c.85-1206T>C (NM_001368886.1); c.649-1206T>C (NM_001368883.1, NM_001368885.1); c.571-1206T>C (NM_001368897.1); c.595-1206T>C (NM_001368895.1); and 1 more; short protein forms M196T, M225T.
Identifiers: ClinVar variation 1925512 (VCV001925512.5), dbSNP rs1245483308, ClinGen allele CA376933207.

ClinVar aggregate classification (germline): Uncertain significance (1 of 4 stars; one submission).

Allele frequency attached by ClinVar (database versions not stated): gnomAD exomes 0.00001; TOPMed 0.00002.
gnomAD v4.1: 15 of 1,613,958 alleles (0.00093%); highest among the groups gnomAD compares: Admixed American, 0.012%; no homozygotes.

Submission:

Labcorp Genetics (formerly Invitae), Labcorp
Classification: Uncertain significance. Last evaluated: 2022-08-13. Review status: criteria provided, single submitter. Criteria: Invitae Variant Classification Sherloc (09022015). Collection method: clinical testing. Allele origin: germline.
Comment: In summary, the available evidence is currently insufficient to determine the role of this variant in disease. Therefore, it has been classified as a Variant of Uncertain Significance. Algorithms developed to predict the effect of missense changes on protein structure and function output the following: SIFT: "Tolerated"; PolyPhen-2: "Benign"; Align-GVGD: "Class C0". The threonine amino acid residue is found in multiple mammalian species, which suggests that this missense change does not adversely affect protein function. This variant has not been reported in the literature in individuals affected with COL13A1-related conditions. This variant is present in population databases (no rsID available, gnomAD 0.02%). This sequence change replaces methionine, which is neutral and non-polar, with threonine, which is neutral and polar, at codon 225 of the COL13A1 protein (p.Met225Thr).